The following is an entry in ClinVar:

ClinVar aggregate classification (germline): Uncertain significance (1 of 4 stars; one submission).

Conditions:
Familial thoracic aortic aneurysm and aortic dissection (TAAD). Also called: Thoracic aortic aneurysms and dissections. Identifiers: Orphanet 91387, MedGen C4707243, MONDO:0019625.

Submission:

Ambry Genetics
Classification: Uncertain significance for Familial thoracic aortic aneurysm and aortic dissection. Last evaluated: 2020-07-13. Review status: criteria provided, single submitter. Criteria: Ambry Variant Classification Scheme 2023. Collection method: clinical testing. Allele origin: germline.
Comment: The p.V271F variant (also known as c.811G>T), located in coding exon 7 of the MYLK gene, results from a G to T substitution at nucleotide position 811. The valine at codon 271 is replaced by phenylalanine, an amino acid with highly similar properties. This amino acid position is poorly conserved in available vertebrate species. In addition, this alteration is predicted to be tolerated by in silico analysis. Since supporting evidence is limited at this time, the clinical significance of this alteration remains unclear.

NM_053025.4(MYLK):c.811G>T (p.Val271Phe)

Gene: MYLK (myosin light chain kinase; minus strand). Cytogenetic location: 3q21.1.
Variant type: single nucleotide variant.
Coding change: c.811G>T on transcript NM_053025.4 (MANE Select); coding-DNA position 811, G replaced by T.
Protein change: p.Val271Phe; replaces valine 271 with phenylalanine.
Molecular consequence: missense variant.
Genome position (GRCh38, 1-based): chr3:123,734,185, C>A on the plus strand (G>T on the coding strand, the complement: MYLK is on the minus strand). VCF-style: chr3-123734185-C-A. GRCh37 (hg19) VCF-style: chr3-123453032-C-A.
Other names: c.283G>T, p.Val95Phe (NM_001321309.2); c.811G>T, p.Val271Phe (NM_053026.4, NM_053027.4, NM_053028.4); short protein forms V95F, V271F.
Identifiers: ClinVar variation 1762085 (VCV001762085.2), dbSNP rs2474568758, ClinGen allele CA354240100.